The following is an entry in ClinVar:

NM_000071.3(CBS):c.532G>A (p.Val178Met)

Gene: CBS (cystathionine beta-synthase; minus strand). Cytogenetic location: 21q22.3.
Variant type: single nucleotide variant.
Coding change: c.532G>A on transcript NM_000071.3 (MANE Select); coding-DNA position 532, G replaced by A.
Protein change: p.Val178Met; replaces valine 178 with methionine.
Molecular consequence: missense variant.
Genome position (GRCh38, 1-based): chr21:43,065,521, C>T on the plus strand (G>A on the coding strand, the complement: CBS is on the minus strand). VCF-style: chr21-43065521-C-T. GRCh37 (hg19) VCF-style: chr21-44485631-C-T.
Other names: c.532G>A, p.Val178Met (NM_001178008.3, NM_001178009.3, NM_001320298.2); c.217G>A, p.Val73Met (NM_001321072.1); short protein forms V178M, V73M.
Identifiers: ClinVar variation 340088 (VCV000340088.7), dbSNP rs370843514, ClinGen allele CA10650559.

ClinVar aggregate classification (germline): Uncertain significance. Review status: criteria provided, multiple submitters, no conflicts (2 of 4 stars). 2 submissions from 2 submitters: Uncertain significance (2). Last evaluated 2021-08-28.

Conditions:
Familial thoracic aortic aneurysm and aortic dissection (TAAD). Also called: Thoracic aortic aneurysms and dissections. Identifiers: Orphanet 91387, MedGen C4707243, MONDO:0019625.
Classic homocystinuria. Also called: HOMOCYSTINURIA WITH OR WITHOUT RESPONSE TO PYRIDOXINE; Homocystinuria due to CBS deficiency; Cystathionine beta-synthase deficiency; CBS deficiency; Homocystinuria due to Cystathionine Beta-Synthase Deficiency. Identifiers: Orphanet 394, MedGen C0751202, MONDO:0009352, OMIM 236200.

Allele frequency attached by ClinVar (database versions not stated): ESP Exome Variant Server 0.00008.

Submissions (2):

Ambry Genetics
Classification: Uncertain significance for Familial thoracic aortic aneurysm and aortic dissection. Last evaluated: 2021-08-28. Review status: criteria provided, single submitter. Criteria: Ambry Variant Classification Scheme 2023. Collection method: clinical testing. Allele origin: germline.
Comment: The p.V178M variant (also known as c.532G>A) is located in coding exon 5 of the CBS gene. The valine at codon 178 is replaced by methionine, an amino acid with highly similar properties. This change occurs in the first base pair of coding exon 5. This amino acid position is conserved. In addition, this alteration is predicted to be deleterious by in silico analysis. Since supporting evidence is limited at this time, the clinical significance of this alteration remains unclear.

Illumina Laboratory Services, Illumina
Classification: Uncertain significance for Classic homocystinuria. Last evaluated: 2018-01-13. Review status: criteria provided, single submitter. Criteria: ICSL Variant Classification Criteria 13 December 2019. Collection method: clinical testing. Allele origin: germline.